The following is an entry in ClinVar:

NM_000781.3(CYP11A1):c.935C>A (p.Ser312Tyr)

Gene: CYP11A1 (cytochrome P450 family 11 subfamily A member 1; minus strand). Cytogenetic location: 15q24.1.
Variant type: single nucleotide variant.
Coding change: c.935C>A on transcript NM_000781.3 (MANE Select); coding-DNA position 935, C replaced by A.
Protein change: p.Ser312Tyr; replaces serine 312 with tyrosine.
Molecular consequence: missense variant.
Genome position (GRCh38, 1-based): chr15:74,343,032, G>T on the plus strand (C>A on the coding strand, the complement: CYP11A1 is on the minus strand). VCF-style: chr15-74343032-G-T. GRCh37 (hg19) VCF-style: chr15-74635373-G-T.
Other names: c.461C>A, p.Ser154Tyr (NM_001099773.2); short protein forms S154Y, S312Y.
Identifiers: ClinVar variation 2079228 (VCV002079228.4), dbSNP rs2548330587, ClinGen allele CA393147939.

ClinVar aggregate classification (germline): Uncertain significance (1 of 4 stars; one submission).

Submission:

Labcorp Genetics (formerly Invitae), Labcorp
Classification: Uncertain significance. Last evaluated: 2022-01-11. Review status: criteria provided, single submitter. Criteria: Invitae Variant Classification Sherloc (09022015). Collection method: clinical testing. Allele origin: germline.
Comment: This sequence change replaces serine, which is neutral and polar, with tyrosine, which is neutral and polar, at codon 312 of the CYP11A1 protein (p.Ser312Tyr). This variant is not present in population databases (gnomAD no frequency). This variant has not been reported in the literature in individuals affected with CYP11A1-related conditions. Algorithms developed to predict the effect of missense changes on protein structure and function (SIFT, PolyPhen-2, Align-GVGD) all suggest that this variant is likely to be tolerated. In summary, the available evidence is currently insufficient to determine the role of this variant in disease. Therefore, it has been classified as a Variant of Uncertain Significance.